The following is an entry in ClinVar:

ClinVar aggregate classification (germline): Uncertain significance (1 of 4 stars; one submission).

Conditions:
Inborn genetic diseases. Identifiers: MedGen C0950123, MeSH D030342.

Allele frequency attached by ClinVar (database versions not stated): gnomAD exomes below 0.00001.

Submission:

Ambry Genetics
Classification: Uncertain significance for Inborn genetic diseases. Last evaluated: 2021-08-23. Review status: criteria provided, single submitter. Criteria: Ambry Variant Classification Scheme 2023. Collection method: clinical testing. Allele origin: germline.
Comment: The p.M121V variant (also known as c.361A>G), located in coding exon 4 of the LRRK2 gene, results from an A to G substitution at nucleotide position 361. The methionine at codon 121 is replaced by valine, an amino acid with highly similar properties. This amino acid position is conserved. In addition, this alteration is predicted to be tolerated by in silico analysis. Since supporting evidence is limited at this time, the clinical significance of this alteration remains unclear.

NM_198578.4(LRRK2):c.361A>G (p.Met121Val)

Gene: LRRK2 (leucine rich repeat kinase 2; plus strand). Cytogenetic location: 12q12.
Variant type: single nucleotide variant.
Coding change: c.361A>G on transcript NM_198578.4 (MANE Select); coding-DNA position 361, A replaced by G.
Protein change: p.Met121Val; replaces methionine 121 with valine.
Molecular consequence: missense variant.
Genome position (GRCh38, 1-based): chr12:40,235,639, A>G. VCF-style: chr12-40235639-A-G. GRCh37 (hg19) VCF-style: chr12-40629441-A-G.
Other names: short protein forms M121V.
Identifiers: ClinVar variation 1733298 (VCV001733298.2), dbSNP rs2499402864, ClinGen allele CA384402658.